The following is an entry in ClinVar:

NM_032119.4(ADGRV1):c.12495C>G (p.Pro4165=)

Gene: ADGRV1 (adhesion G protein-coupled receptor V1; plus strand). Cytogenetic location: 5q14.3.
Variant type: single nucleotide variant.
Coding change: c.12495C>G on transcript NM_032119.4 (MANE Select); coding-DNA position 12495, C replaced by G.
Protein change: p.Pro4165=; no amino-acid change (proline 4165 retained).
Molecular consequence: synonymous variant. On other transcripts: non-coding transcript variant (1).
Genome position (GRCh38, 1-based): chr5:90,776,544, C>G. VCF-style: chr5-90776544-C-G. GRCh37 (hg19) VCF-style: chr5-90072361-C-G.
Identifiers: ClinVar variation 1204177 (VCV001204177.11), dbSNP rs373705717, ClinGen allele CA3341259.

ClinVar aggregate classification (germline): Likely benign. Review status: criteria provided, multiple submitters, no conflicts (2 of 4 stars). 4 submissions from 4 submitters: Likely benign (3). 1 of the submissions does not count toward it. Last evaluated 2025-12-01.

Conditions:
ADGRV1-related disorder. Also called: ADGRV1-related condition; ADGRV1-related disorders.

Allele frequency attached by ClinVar (database versions not stated): gnomAD 0.00001 and 0.00002; TOPMed 0.00002; gnomAD exomes 0.00004 and 0.00005; ExAC 0.00007; ESP Exome Variant Server 0.00008.
gnomAD v4.1: 61 of 1,613,178 alleles (0.0038%); highest among the groups gnomAD compares: Non-Finnish European, 0.0049%; no homozygotes.

Submissions (4):

Labcorp Genetics (formerly Invitae), Labcorp
Classification: Likely benign. Last evaluated: 2025-12-01. Review status: criteria provided, single submitter. Criteria: Invitae Variant Classification Sherloc (09022015). Collection method: clinical testing. Allele origin: germline.

GeneDx
Classification: Likely benign. Last evaluated: 2021-03-17. Review status: criteria provided, single submitter. Criteria: GeneDx Variant Classification Process June 2021. Collection method: clinical testing. Allele origin: germline. Affected: yes.

Blueprint Genetics
Classification: Likely benign. Last evaluated: 2020-01-03. Review status: criteria provided, single submitter. Criteria: ACMG Guidelines, 2015. Collection method: clinical testing. Allele origin: germline.

PreventionGenetics, part of Exact Sciences
Classification: Likely benign for ADGRV1-related condition. Last evaluated: 2020-01-03. Review status: no assertion criteria provided. Collection method: clinical testing. Allele origin: germline. Not counted in ClinVar's aggregate classification.
Comment: This variant is classified as likely benign based on ACMG/AMP sequence variant interpretation guidelines (Richards et al. 2015 PMID: 25741868, with internal and published modifications).